The following is an entry in ClinVar:

NM_001033855.3(DCLRE1C):c.362T>C (p.Met121Thr)

Gene: DCLRE1C (DNA cross-link repair 1C; minus strand). Cytogenetic location: 10p13.
Variant type: single nucleotide variant.
Coding change: c.362T>C on transcript NM_001033855.3 (MANE Select); coding-DNA position 362, T replaced by C.
Protein change: p.Met121Thr; replaces methionine 121 with threonine.
Molecular consequence: missense variant. On other transcripts: intron variant (4), initiator codon variant (5), non-coding transcript variant (3).
Genome position (GRCh38, 1-based): chr10:14,936,538, A>G on the plus strand (T>C on the coding strand, the complement: DCLRE1C is on the minus strand). VCF-style: chr10-14936538-A-G. GRCh37 (hg19) VCF-style: chr10-14978537-A-G.
Other names: c.18-974T>C (NM_001289076.2, NM_022487.4, NM_001350966.2 and 1 more transcripts); c.2T>C, p.Met1Thr (NM_001033857.3, NM_001033858.3, NM_001289077.2 and 2 more transcripts); c.362T>C, p.Met121Thr (NM_001350965.2); short protein forms M1T, M121T.
Identifiers: ClinVar variation 2136849 (VCV002136849.5), dbSNP rs747171418, ClinGen allele CA5416891.

ClinVar aggregate classification (germline): Conflicting classifications of pathogenicity. Review status: criteria provided, conflicting classifications (1 of 4 stars). 2 submissions from 2 submitters: Likely pathogenic (1); Uncertain significance (1). Last evaluated 2024-03-04.

Conditions:
Severe combined immunodeficiency due to DCLRE1C deficiency (RS-SCID). Also called: SCID, AUTOSOMAL RECESSIVE, T CELL-NEGATIVE, B CELL-NEGATIVE, NK CELL-POSITIVE, WITH SENSITIVITY TO IONIZING RADIATION. Identifiers: Orphanet 275, MedGen C1865371, MONDO:0011225, OMIM 602450.
Histiocytic medullary reticulosis. Also called: SEVERE COMBINED IMMUNODEFICIENCY WITH HYPEREOSINOPHILIA; Omenn syndrome. Identifiers: Orphanet 39041, MedGen C2700553, MONDO:0011338, OMIM 603554.

Allele frequency attached by ClinVar (database versions not stated): TOPMed below 0.00001; ExAC 0.00001.

Submissions (2):

Fulgent Genetics
Classification: Likely pathogenic for Severe combined immunodeficiency due to DCLRE1C deficiency; Histiocytic medullary reticulosis. Last evaluated: 2024-03-04. Review status: criteria provided, single submitter. Criteria: ACMG Guidelines, 2015. Collection method: clinical testing. Allele origin: germline.

Labcorp Genetics (formerly Invitae), Labcorp
Classification: Uncertain significance for Athabaskan severe combined immunodeficiency. Last evaluated: 2022-09-27. Review status: criteria provided, single submitter. Criteria: Invitae Variant Classification Sherloc (09022015). Collection method: clinical testing. Allele origin: germline.
Comment: In summary, the available evidence is currently insufficient to determine the role of this variant in disease. Therefore, it has been classified as a Variant of Uncertain Significance. Experimental studies have shown that this missense change affects DCLRE1C function (PMID: 25917813). Algorithms developed to predict the effect of missense changes on protein structure and function are either unavailable or do not agree on the potential impact of this missense change (SIFT: "Deleterious"; PolyPhen-2: "Probably Damaging"; Align-GVGD: "Class C0"). This missense change has been observed in individual(s) with severe combined immunodeficiency (PMID: 25917813). This variant is not present in population databases (gnomAD no frequency). This sequence change replaces methionine, which is neutral and non-polar, with threonine, which is neutral and polar, at codon 121 of the DCLRE1C protein (p.Met121Thr).

Literature cited by the submitters: PubMed 25917813 (cited by Labcorp Genetics (formerly Invitae), Labcorp).